The following is an entry in ClinVar:

NM_000368.5(TSC1):c.1777A>G (p.Arg593Gly)

Gene: TSC1 (TSC complex subunit 1; minus strand). Cytogenetic location: 9q34.13.
Variant type: single nucleotide variant.
Coding change: c.1777A>G on transcript NM_000368.5 (MANE Select); coding-DNA position 1777, A replaced by G.
Protein change: p.Arg593Gly; replaces arginine 593 with glycine.
Molecular consequence: missense variant.
Genome position (GRCh38, 1-based): chr9:132,905,801, T>C on the plus strand (A>G on the coding strand, the complement: TSC1 is on the minus strand). VCF-style: chr9-132905801-T-C. GRCh37 (hg19) VCF-style: chr9-135781188-T-C.
Other names: c.1774A>G, p.Arg592Gly (NM_001162426.2); c.1624A>G, p.Arg542Gly (NM_001162427.2); c.1414A>G, p.Arg472Gly (NM_001362177.2); short protein forms R592G, R472G, R542G, R593G.
Identifiers: ClinVar variation 820054 (VCV000820054.16), dbSNP rs118203581, ClinGen allele CA375363611.

ClinVar aggregate classification (germline): Conflicting classifications of pathogenicity. Review status: criteria provided, conflicting classifications (1 of 4 stars). 4 submissions from 4 submitters: Uncertain significance (3); Likely benign (1). Last evaluated 2022-10-12.

Conditions:
Hereditary cancer-predisposing syndrome. Also called: Hereditary Cancer Syndrome; Neoplastic Syndromes, Hereditary; Hereditary neoplastic syndrome; Tumor predisposition. Identifiers: Orphanet 140162, MedGen C0027672, MeSH D009386, MONDO:0015356.
Tuberous sclerosis 1 (TSC1). Identifiers: Orphanet 805, MedGen C1854465, MONDO:0008612, OMIM 191100.

Submissions (4):

Labcorp Genetics (formerly Invitae), Labcorp
Classification: Uncertain significance for Tuberous sclerosis 1. Last evaluated: 2022-10-12. Review status: criteria provided, single submitter. Criteria: Invitae Variant Classification Sherloc (09022015). Collection method: clinical testing. Allele origin: germline.
Comment: Advanced modeling of protein sequence and biophysical properties (such as structural, functional, and spatial information, amino acid conservation, physicochemical variation, residue mobility, and thermodynamic stability) performed at Invitae indicates that this missense variant is not expected to disrupt TSC1 protein function. In summary, the available evidence is currently insufficient to determine the role of this variant in disease. Therefore, it has been classified as a Variant of Uncertain Significance. ClinVar contains an entry for this variant (Variation ID: 820054). This variant has not been reported in the literature in individuals affected with TSC1-related conditions. This variant is not present in population databases (gnomAD no frequency). This sequence change replaces arginine, which is basic and polar, with glycine, which is neutral and non-polar, at codon 593 of the TSC1 protein (p.Arg593Gly).

Genome-Nilou Lab
Classification: Uncertain significance for Tuberous sclerosis 1. Last evaluated: 2021-11-07. Review status: criteria provided, single submitter. Criteria: ACMG Guidelines, 2015. Collection method: clinical testing. Allele origin: germline. Affected: no.

GeneDx
Classification: Uncertain significance. Last evaluated: 2020-12-17. Review status: criteria provided, single submitter. Criteria: GeneDx Variant Classification Process June 2021. Collection method: clinical testing. Allele origin: germline. Affected: yes.
Comment: Not observed in large population cohorts (Lek 2016); In silico analysis supports that this missense variant does not alter protein structure/function; Has not been previously published as pathogenic or benign to our knowledge

Ambry Genetics
Classification: Likely benign for Hereditary cancer-predisposing syndrome. Last evaluated: 2019-01-10. Review status: criteria provided, single submitter. Criteria: Ambry Variant Classification Scheme 2023. Collection method: clinical testing. Allele origin: germline.